The following is an entry in ClinVar:

NM_020937.4(FANCM):c.83G>T (p.Gly28Val)

Genes: FANCM (FA complementation group M; plus strand), LOC130055524 (ATAC-STARR-seq lymphoblastoid active region 8299; plus strand). Cytogenetic location: 14q21.2.
Variant type: single nucleotide variant.
Coding change: c.83G>T on transcript NM_020937.4 (MANE Select); coding-DNA position 83, G replaced by T.
Protein change: p.Gly28Val; replaces glycine 28 with valine.
Molecular consequence: missense variant.
Genome position (GRCh38, 1-based): chr14:45,136,114, G>T. VCF-style: chr14-45136114-G-T. GRCh37 (hg19) VCF-style: chr14-45605317-G-T.
Other names: c.83G>T, p.Gly28Val (NM_001308133.2, NM_001308134.2); short protein forms G28V.
Identifiers: ClinVar variation 841311 (VCV000841311.11), dbSNP rs1885470299, ClinGen allele CA389586888.

ClinVar aggregate classification (germline): Uncertain significance. Review status: criteria provided, multiple submitters, no conflicts (2 of 4 stars). 2 submissions from 2 submitters: Uncertain significance (2). Last evaluated 2024-12-08.

Conditions:
Fanconi anemia (FA). Also called: Fanconi's anemia. Identifiers: Orphanet 84, MedGen C0015625, MeSH D005199, MONDO:0019391.
Spermatogenic failure 28. Identifiers: MedGen C4748117, MONDO:0054732, OMIM 618086.
Premature ovarian failure 15. Identifiers: MedGen C4748170, MONDO:0054862, OMIM 618096.

Allele frequency attached by ClinVar (database versions not stated): gnomAD exomes 0.00001; TOPMed 0.00001.
gnomAD v4.1: 3 of 1,614,154 alleles (0.00019%); highest among the groups gnomAD compares: Non-Finnish European, 0.00025%; no homozygotes.

Submissions (2):

Labcorp Genetics (formerly Invitae), Labcorp
Classification: Uncertain significance for Fanconi anemia. Last evaluated: 2024-12-08. Review status: criteria provided, single submitter. Criteria: Invitae Variant Classification Sherloc (09022015). Collection method: clinical testing. Allele origin: germline.
Comment: This sequence change replaces glycine, which is neutral and non-polar, with valine, which is neutral and non-polar, at codon 28 of the FANCM protein (p.Gly28Val). This variant is not present in population databases (gnomAD no frequency). This variant has not been reported in the literature in individuals affected with FANCM-related conditions. ClinVar contains an entry for this variant (Variation ID: 841311). An algorithm developed to predict the effect of missense changes on protein structure and function (PolyPhen-2) suggests that this variant is likely to be tolerated. In summary, the available evidence is currently insufficient to determine the role of this variant in disease. Therefore, it has been classified as a Variant of Uncertain Significance.

Fulgent Genetics
Classification: Uncertain significance for Spermatogenic failure 28; Premature ovarian failure 15. Last evaluated: 2022-05-24. Review status: criteria provided, single submitter. Criteria: ACMG Guidelines, 2015. Collection method: clinical testing. Allele origin: unknown.